The following is an entry in ClinVar:

Single allele

Genes: ALDOA (aldolase, fructose-bisphosphate A; plus strand), ASPHD1 (aspartate beta-hydroxylase domain containing 1; plus strand), BOLA2B (bolA family member 2B; minus strand), C16orf54 (chromosome 16 open reading frame 54; minus strand), CD2BP2 (CD2 cytoplasmic tail binding protein 2; minus strand) and 27 more. Cytogenetic location: 16p11.2.
Variant type: Duplication.
Identifiers: ClinVar variation 5043563 (VCV005043563.1).

ClinVar aggregate classification (germline): Pathogenic (1 of 4 stars; one submission).

Conditions:
Chromosome 16p11.2 duplication syndrome. Identifiers: Orphanet 370079, MedGen C3553407, MONDO:0013847, OMIM 614671.

Submission:

Department of Prenatal Diagnosis, Henan Provincial People’s Hospital
Classification: Pathogenic for Chromosome 16p11.2 duplication syndrome. Last evaluated: 2026-11-25. Review status: criteria provided, single submitter. Criteria: ACMG/ClinGen CNV Guidelines, 2019. Collection method: research. Allele origin: maternal. Affected: no. Observed: 1 variant allele.
Comment: Based on the "ACMG/ClinGen CNV Guidelines" (2019, PMID: 31690835), this dupliaction encompasses the triplosensitive genomic region-16p11.2 recurrent region (proximal, BP4-BP5) (includes TBX6)，which satisfies the criteria for Evidence Type 2A and is assigned a score of 1. As a result, the observed copy number duplication in this case achieves a cumulative score of ≥0.99, classifying it as a pathogenic copy number variant.